The following is an entry in ClinVar:

NM_017514.5(PLXNA3):c.5370-10G>T

Gene: PLXNA3 (plexin A3; plus strand). Cytogenetic location: Xq28.
Variant type: single nucleotide variant.
Coding change: c.5370-10G>T on transcript NM_017514.5 (MANE Select); 10 bases into the intron before coding-DNA position 5370, G replaced by T.
Molecular consequence: intron variant.
Genome position (GRCh38, 1-based): chrX:154,471,478, G>T. VCF-style: chrX-154471478-G-T. GRCh37 (hg19) VCF-style: chrX-153699821-G-T.
Identifiers: ClinVar variation 3355272 (VCV003355272.1).

ClinVar aggregate classification (germline): Likely benign (0 of 4 stars; one submission).

Conditions:
PLXNA3-related disorder. Also called: PLXNA3-related condition.

gnomAD v4.1: 6 of 1,194,901 alleles (0.0005%); highest among the groups gnomAD compares: Non-Finnish European, 0.00057%; no homozygotes.

Submission:

PreventionGenetics, part of Exact Sciences
Classification: Likely benign for PLXNA3-related condition. Last evaluated: 2024-08-29. Review status: no assertion criteria provided. Collection method: clinical testing. Allele origin: germline.
Comment: This variant is classified as likely benign based on ACMG/AMP sequence variant interpretation guidelines (Richards et al. 2015 PMID: 25741868, with internal and published modifications).